The following is an entry in ClinVar:

ClinVar aggregate classification (germline): Uncertain significance (1 of 4 stars; one submission).

Submissions (2):

GeneDx
Classification: Uncertain significance. Last evaluated: 2024-10-08. Review status: criteria provided, single submitter. Criteria: GeneDx Variant Classification Process June 2021. Collection method: clinical testing. Allele origin: germline. Affected: yes.
Comment: Has not been previously published as pathogenic or benign to our knowledge; Not observed at significant frequency in large population cohorts (gnomAD); Nonsense variant predicted to result in protein truncation or nonsense mediated decay in a gene or region of a gene for which loss of function is not a well-established mechanism of disease

Dr. Peter K. Rogan Lab, Western University
No classification provided (evidence only). Condition: Nonpapillary renal cell carcinoma. Review status: no classification provided. Collection method: in vitro. Allele origin: not applicable. Functional consequence: retained intron. Not counted in ClinVar's aggregate classification.

NM_001267550.2(TTN):c.31864G>T (p.Gly10622Ter)

Gene: TTN (titin; minus strand). Cytogenetic location: 2q31.2.
Variant type: single nucleotide variant.
Coding change: c.31864G>T on transcript NM_001267550.2 (MANE Select); coding-DNA position 31864, G replaced by T.
Protein change: p.Gly10622Ter; replaces glycine 10622 with a stop codon.
Molecular consequence: nonsense. On other transcripts: intron variant (3).
Genome position (GRCh38, 1-based): chr2:178,689,578, C>A on the plus strand (G>T on the coding strand, the complement: TTN is on the minus strand). VCF-style: chr2-178689578-C-A. GRCh37 (hg19) VCF-style: chr2-179554305-C-A.
Other names: NC_000002.11:g.179554305C>A; c.30913G>T, p.Gly10305Ter (NM_001256850.1); c.28132G>T, p.Gly9378Ter (NM_133378.4); c.13283-47261G>T (NM_003319.4); c.13859-47261G>T (NM_133437.4); c.13658-47261G>T (NM_133432.3); short protein forms G10305*, G10622*, G9378*.
Identifiers: ClinVar variation 3777321 (VCV003777321.2).
Genomic context (GRCh38, chr2:178,689,578, plus strand): 5'-CTGGTGGTGGAGATTCCTCTCTTTGAGTTACAATGGTTATTTTTTCTTCTGTCACAACTC[C>A]CTTCTGTACTTCAGGAACTTGAAGAGACATTTTTAGAATTGACTTTATATTTTCTAAAGT-3'